The following is an entry in ClinVar:

ClinVar aggregate classification (germline): Uncertain significance (1 of 4 stars; one submission).

Conditions:
Hypertrophic cardiomyopathy 26. Also called: Cardiomyopathy, familial hypertrophic, 26. Identifiers: Orphanet 75249, MedGen C4310749, MONDO:0014883, OMIM 617047.
Myofibrillar myopathy 5. Also called: FILAMINOPATHY, AUTOSOMAL DOMINANT; Filaminopathy (type). Identifiers: Orphanet 171445, MedGen C1836050, MONDO:0012289, OMIM 609524.
Distal myopathy with posterior leg and anterior hand involvement. Also called: WILLIAMS DISTAL MYOPATHY. Identifiers: Orphanet 63273, MedGen C3279722, MONDO:0013550, OMIM 614065.

Submission:

Labcorp Genetics (formerly Invitae), Labcorp
Classification: Uncertain significance for Distal myopathy with posterior leg and anterior hand involvement; Myofibrillar myopathy 5; Hypertrophic cardiomyopathy 26. Last evaluated: 2021-08-06. Review status: criteria provided, single submitter. Criteria: Invitae Variant Classification Sherloc (09022015). Collection method: clinical testing. Allele origin: germline.
Comment: In summary, the available evidence is currently insufficient to determine the role of this variant in disease. Therefore, it has been classified as a Variant of Uncertain Significance. Algorithms developed to predict the effect of missense changes on protein structure and function (SIFT, PolyPhen-2, Align-GVGD) all suggest that this variant is likely to be tolerated, but these predictions have not been confirmed by published functional studies and their clinical significance is uncertain. This variant has not been reported in the literature in individuals with FLNC-related conditions. This variant is not present in population databases (ExAC no frequency). This sequence change replaces arginine with glycine at codon 1758 of the FLNC protein (p.Arg1758Gly). The arginine residue is weakly conserved and there is a moderate physicochemical difference between arginine and glycine.

NM_001458.5(FLNC):c.5272C>G (p.Arg1758Gly)

Gene: FLNC (filamin C; plus strand). Cytogenetic location: 7q32.1.
Variant type: single nucleotide variant.
Coding change: c.5272C>G on transcript NM_001458.5 (MANE Select); coding-DNA position 5272, C replaced by G.
Protein change: p.Arg1758Gly; replaces arginine 1758 with glycine.
Molecular consequence: missense variant. On other transcripts: intron variant (1).
Genome position (GRCh38, 1-based): chr7:128,850,048, C>G. VCF-style: chr7-128850048-C-G. GRCh37 (hg19) VCF-style: chr7-128490102-C-G.
Other names: c.5200-336C>G (NM_001127487.2); short protein forms R1758G.
Identifiers: ClinVar variation 955927 (VCV000955927.10), dbSNP rs369187211, ClinGen allele CA369204710.